The following is an entry in ClinVar:

ClinVar aggregate classification (germline): Uncertain significance (1 of 4 stars; one submission).

Submission:

Labcorp Genetics (formerly Invitae), Labcorp
Classification: Uncertain significance. Last evaluated: 2025-10-28. Review status: criteria provided, single submitter. Criteria: Invitae Variant Classification Sherloc (09022015). Collection method: clinical testing. Allele origin: germline.
Comment: This sequence change replaces serine, which is neutral and polar, with cysteine, which is neutral and slightly polar, at codon 677 of the ARID1B protein (p.Ser677Cys). This variant is not present in population databases (gnomAD no frequency). This variant has not been reported in the literature in individuals affected with ARID1B-related conditions. Invitae Evidence Modeling of protein sequence and biophysical properties (such as structural, functional, and spatial information, amino acid conservation, physicochemical variation, residue mobility, and thermodynamic stability) indicates that this missense variant is not expected to disrupt ARID1B protein function with a negative predictive value of 95%. In summary, the available evidence is currently insufficient to determine the role of this variant in disease. Therefore, it has been classified as a Variant of Uncertain Significance.

NM_001374828.1(ARID1B):c.2239A>T (p.Ser747Cys)

Gene: ARID1B (AT-rich interaction domain 1B; plus strand). Cytogenetic location: 6q25.3.
Variant type: single nucleotide variant.
Coding change: c.2239A>T on transcript NM_001374828.1 (MANE Select); coding-DNA position 2239, A replaced by T.
Protein change: p.Ser747Cys; replaces serine 747 with cysteine.
Molecular consequence: missense variant.
Genome position (GRCh38, 1-based): chr6:156,935,568, A>T. VCF-style: chr6-156935568-A-T. GRCh37 (hg19) VCF-style: chr6-157256702-A-T.
Other names: c.2278A>T, p.Ser760Cys (NM_001371656.1, NM_001374820.1); c.2239A>T, p.Ser747Cys (NM_001438482.1, NM_001438483.1, NM_001438485.1 and 7 more transcripts); short protein forms S747C, S760C.
Identifiers: ClinVar variation 4801396 (VCV004801396.1).